The following is an entry in ClinVar:

NM_001384732.1(CPLANE1):c.5421G>A (p.Lys1807=)

Gene: CPLANE1 (ciliogenesis and planar polarity effector complex subunit 1; minus strand). Cytogenetic location: 5p13.2.
Variant type: single nucleotide variant.
Coding change: c.5421G>A on transcript NM_001384732.1 (MANE Select); coding-DNA position 5421, G replaced by A.
Protein change: p.Lys1807=; no amino-acid change (lysine 1807 retained).
Molecular consequence: synonymous variant.
Genome position (GRCh38, 1-based): chr5:37,182,760, C>T on the plus strand (G>A on the coding strand, the complement: CPLANE1 is on the minus strand). VCF-style: chr5-37182760-C-T. GRCh37 (hg19) VCF-style: chr5-37182862-C-T.
Other names: c.5421G>A, p.Lys1807= (NM_023073.4).
Identifiers: ClinVar variation 158041 (VCV000158041.56), dbSNP rs149313666, ClinGen allele CA271181.

ClinVar aggregate classification (germline): Conflicting classifications of pathogenicity. Review status: criteria provided, conflicting classifications (1 of 4 stars). 11 submissions from 11 submitters: Uncertain significance (1); Benign (5); Likely benign (3). 2 of the submissions do not count toward it. Last evaluated 2026-06-01.

Conditions:
Joubert syndrome 17 (JBTS17). Identifiers: Orphanet 475, MedGen C3553264, MONDO:0013824, OMIM 614615.

Allele frequency attached by ClinVar (database versions not stated): ExAC 0.00942; gnomAD 0.00495 and 0.00504; ESP Exome Variant Server 0.00508; TOPMed 0.00527; 1000 Genomes Project 30x 0.00578; 1000 Genomes Project 0.00599; gnomAD exomes 0.00647 and 0.00697.
gnomAD v4.1: 10,099 of 1,582,064 alleles (0.64%); highest among the groups gnomAD compares: Middle Eastern, 1.6%; 62 homozygotes.

Submissions (18):

CeGaT Center for Human Genetics Tuebingen
Classification: Benign. Last evaluated: 2026-06-01. Review status: criteria provided, single submitter. Criteria: CeGaT Center For Human Genetics Tuebingen Variant Classification Criteria Version 2. Collection method: clinical testing. Allele origin: germline. Affected: yes. Observed: 32 variant alleles.
Comment: CPLANE1: BS1, BS2

Labcorp Genetics (formerly Invitae), Labcorp
Classification: Benign. Last evaluated: 2026-02-01. Review status: criteria provided, single submitter. Criteria: Invitae Variant Classification Sherloc (09022015). Collection method: clinical testing. Allele origin: germline.

Illumina Laboratory Services, Illumina
Classification: Likely benign for Joubert syndrome 17. Last evaluated: 2018-01-13. Review status: criteria provided, single submitter. Criteria: ICSL Variant Classification Criteria 13 December 2019. Collection method: clinical testing. Allele origin: germline.
Comment: This variant was observed in the ICSL laboratory as part of a predisposition screen in an ostensibly healthy population. It had not been previously curated by ICSL or reported in the Human Gene Mutation Database (HGMD: prior to June 1st, 2018), and was therefore a candidate for classification through an automated scoring system. Utilizing variant allele frequency, disease prevalence and penetrance estimates, and inheritance mode, an automated score was calculated to assess if this variant is too frequent to cause the disease. Based on the score and internal cut-off values, a variant classified as likely benign is not then subjected to further curation. The score for this variant resulted in a classification of likely benign for this disease.

GeneDx
Classification: Benign. Last evaluated: 2017-08-11. Review status: criteria provided, single submitter. Criteria: GeneDx Variant Classification (06012015). Collection method: clinical testing. Allele origin: germline. Affected: yes.
Comment: This variant is considered likely benign or benign based on one or more of the following criteria: it is a conservative change, it occurs at a poorly conserved position in the protein, it is predicted to be benign by multiple in silico algorithms, and/or has population frequency not consistent with disease.

Center for Pediatric Genomic Medicine, Children's Mercy Hospital and Clinics
Classification: Likely benign. Last evaluated: 2017-01-31. Review status: criteria provided, single submitter. Criteria: ACMG Guidelines, 2015. Collection method: clinical testing. Allele origin: germline.
ClinVar note: Converted during submission from Likely Benign to Likely benign.

Eurofins Ntd Llc (ga)
Classification: Benign. Last evaluated: 2016-01-22. Review status: criteria provided, single submitter. Criteria: EGL Classification Definitions 2015. Collection method: clinical testing. Allele origin: germline. Observed: 1 variant allele, 1 heterozygote.

Genome Diagnostics Laboratory, University Medical Center Utrecht
Classification: Benign for Joubert syndrome 17. Last evaluated: 2014-10-10. Review status: criteria provided, single submitter. Criteria: ACGS Guidelines, 2013. Collection method: clinical testing. Allele origin: germline. Affected: yes. Study: VKGL Data-share Consensus.

Genetic Services Laboratory, University of Chicago
Classification: Uncertain significance for Joubert syndrome 17. Last evaluated: 2014-06-27. Review status: criteria provided, single submitter. Criteria: ACMG Guidelines, 2015. Collection method: clinical testing. Allele origin: germline. Inheritance: Autosomal recessive inheritance.

PreventionGenetics, part of Exact Sciences
Classification: Likely benign. Review status: criteria provided, single submitter. Criteria: ACMG Guidelines, 2015. Collection method: clinical testing. Allele origin: germline.

Clinical Genetics, Academic Medical Center
Classification: Benign. Review status: no assertion criteria provided. Collection method: clinical testing. Allele origin: germline. Affected: yes. Study: VKGL Data-share Consensus. Not counted in ClinVar's aggregate classification.

Dr. Peter K. Rogan Lab, Western University
No classification provided (evidence only). Condition: Clear cell carcinoma of kidney. Review status: no classification provided. Collection method: in vitro. Allele origin: not applicable. Functional consequence: retained intron. Not counted in ClinVar's aggregate classification.

Dr. Peter K. Rogan Lab, Western University
No classification provided (evidence only). Condition: Lung cancer. Review status: no classification provided. Collection method: in vitro. Allele origin: not applicable. Functional consequence: retained intron. Not counted in ClinVar's aggregate classification.

Dr. Peter K. Rogan Lab, Western University
No classification provided (evidence only). Condition: Acute myeloid leukemia. Review status: no classification provided. Collection method: in vitro. Allele origin: not applicable. Functional consequence: skipped exon. Not counted in ClinVar's aggregate classification.

Dr. Peter K. Rogan Lab, Western University
No classification provided (evidence only). Condition: Thyroid cancer, nonmedullary, 1. Review status: no classification provided. Collection method: in vitro. Allele origin: not applicable. Functional consequence: retained intron. Not counted in ClinVar's aggregate classification.

Dr. Peter K. Rogan Lab, Western University
No classification provided (evidence only). Condition: Thyroid cancer, nonmedullary, 1. Review status: no classification provided. Collection method: in vitro. Allele origin: not applicable. Functional consequence: retained intron. Not counted in ClinVar's aggregate classification.

Dr. Peter K. Rogan Lab, Western University
No classification provided (evidence only). Condition: Sarcoma. Review status: no classification provided. Collection method: in vitro. Allele origin: not applicable. Functional consequence: retained intron. Not counted in ClinVar's aggregate classification.

Dr. Peter K. Rogan Lab, Western University
No classification provided (evidence only). Condition: Thymoma. Review status: no classification provided. Collection method: in vitro. Allele origin: not applicable. Functional consequence: retained intron. Not counted in ClinVar's aggregate classification.

Laboratory of Diagnostic Genome Analysis, Leiden University Medical Center (LUMC)
Classification: Likely benign. Review status: no assertion criteria provided. Collection method: clinical testing. Allele origin: germline. Affected: yes. Study: VKGL Data-share Consensus. Not counted in ClinVar's aggregate classification.